The following is an entry in ClinVar:

NM_000535.7(PMS2):c.1482G>T (p.Ser494=)

Gene: PMS2 (PMS1 homolog 2, mismatch repair system component; minus strand). Cytogenetic location: 7p22.1.
Variant type: single nucleotide variant.
Coding change: c.1482G>T on transcript NM_000535.7 (MANE Select); coding-DNA position 1482, G replaced by T.
Protein change: p.Ser494=; no amino-acid change (serine 494 retained).
Molecular consequence: synonymous variant. On other transcripts: non-coding transcript variant (1).
Genome position (GRCh38, 1-based): chr7:5,987,283, C>A on the plus strand (G>T on the coding strand, the complement: PMS2 is on the minus strand). VCF-style: chr7-5987283-C-A. GRCh37 (hg19) VCF-style: chr7-6026914-C-A.
Other names: c.1077G>T, p.Ser359= (NM_001322003.2, NM_001322004.2, NM_001322005.2 and 1 more transcripts); c.1326G>T, p.Ser442= (NM_001322006.2); c.1164G>T, p.Ser388= (NM_001322007.2, NM_001322008.2); c.921G>T, p.Ser307= (NM_001322010.2); c.549G>T, p.Ser183= (NM_001322011.2, NM_001322012.2); c.909G>T, p.Ser303= (NM_001322013.2); c.1482G>T, p.Ser494= (NM_001322014.2); c.1173G>T, p.Ser391= (NM_001322015.2).
Identifiers: ClinVar variation 492255 (VCV000492255.17), dbSNP rs864622398, ClinGen allele CA453747895.

ClinVar aggregate classification (germline): Benign/Likely benign. Review status: criteria provided, multiple submitters, no conflicts (2 of 4 stars). 4 submissions from 4 submitters: Benign (1); Likely benign (3). Last evaluated 2025-01-30.

Conditions:
Hereditary nonpolyposis colorectal neoplasms. Identifiers: MedGen C0009405, MeSH D003123.
Lynch syndrome 4 (LYNCH4). Also called: Colorectal cancer, hereditary nonpolyposis, type 4; Hereditary non-polyposis colorectal cancer, type 4. Identifiers: Orphanet 144, MedGen C1838333, MONDO:0013699, OMIM 614337. Disease mechanism: loss of function.
Hereditary cancer-predisposing syndrome. Also called: Hereditary neoplastic syndrome; Tumor predisposition; Hereditary Cancer Syndrome; Neoplastic Syndromes, Hereditary. Identifiers: Orphanet 140162, MedGen C0027672, MeSH D009386, MONDO:0015356.

Submissions (4):

Myriad Genetics, Inc.
Classification: Benign for Lynch syndrome 4. Last evaluated: 2025-01-30. Review status: criteria provided, single submitter. Criteria: Myriad Autosomal Dominant, Autosomal Recessive and X-Linked Classification Criteria (2023). Collection method: clinical testing. Allele origin: unknown.
Comment: This variant is considered benign. This variant is a silent/synonymous amino acid change and it is not expected to impact splicing.

Labcorp Genetics (formerly Invitae), Labcorp
Classification: Likely benign for Hereditary nonpolyposis colorectal neoplasms. Last evaluated: 2022-10-05. Review status: criteria provided, single submitter. Criteria: Invitae Variant Classification Sherloc (09022015). Collection method: clinical testing. Allele origin: germline.

Ambry Genetics
Classification: Likely benign for Hereditary cancer-predisposing syndrome. Last evaluated: 2019-07-10. Review status: criteria provided, single submitter. Criteria: Ambry Variant Classification Scheme 2023. Collection method: clinical testing. Allele origin: germline.

Color Diagnostics, LLC DBA Color Health
Classification: Likely benign for Hereditary cancer-predisposing syndrome. Last evaluated: 2017-05-17. Review status: criteria provided, single submitter. Criteria: ACMG Guidelines, 2015. Collection method: clinical testing. Allele origin: germline.